The following is an entry in ClinVar:

ClinVar aggregate classification (germline): Uncertain significance (1 of 4 stars; one submission).

Conditions:
Biotin-responsive basal ganglia disease (BTBGD). Also called: Thiamine metabolism dysfunction syndrome type 2; Thiamine Transporter-2 Deficiency; Thiamine metabolism dysfunction syndrome 2 (biotin- or thiamine-responsive encephalopathy type 2); thiamine-responsive encephalopathy; THIAMINE METABOLISM DYSFUNCTION SYNDROME 2 (BIOTIN- AND THIAMINE-RESPONSIVE TYPE). Identifiers: Orphanet 199348, Orphanet 65284, MedGen C1843807, MONDO:0011841, OMIM 607483.

Allele frequency attached by ClinVar (database versions not stated): ExAC 0.00001; gnomAD 0.00001; gnomAD exomes 0.00001.

Submission:

Labcorp Genetics (formerly Invitae), Labcorp
Classification: Uncertain significance for Biotin-responsive basal ganglia disease. Last evaluated: 2022-05-25. Review status: criteria provided, single submitter. Criteria: Invitae Variant Classification Sherloc (09022015). Collection method: clinical testing. Allele origin: germline.
Comment: This sequence change replaces serine, which is neutral and polar, with phenylalanine, which is neutral and non-polar, at codon 181 of the SLC19A3 protein (p.Ser181Phe). This variant is present in population databases (rs769023339, gnomAD 0.009%). This variant has not been reported in the literature in individuals affected with SLC19A3-related conditions. Algorithms developed to predict the effect of missense changes on protein structure and function are either unavailable or do not agree on the potential impact of this missense change (SIFT: "Tolerated"; PolyPhen-2: "Possibly Damaging"; Align-GVGD: "Class C0"). In summary, the available evidence is currently insufficient to determine the role of this variant in disease. Therefore, it has been classified as a Variant of Uncertain Significance.

NM_025243.4(SLC19A3):c.542C>T (p.Ser181Phe)

Gene: SLC19A3 (solute carrier family 19 member 3; minus strand). Cytogenetic location: 2q36.3.
Variant type: single nucleotide variant.
Coding change: c.542C>T on transcript NM_025243.4 (MANE Select); coding-DNA position 542, C replaced by T.
Protein change: p.Ser181Phe; replaces serine 181 with phenylalanine.
Molecular consequence: missense variant.
Genome position (GRCh38, 1-based): chr2:227,699,173, G>A on the plus strand (C>T on the coding strand, the complement: SLC19A3 is on the minus strand). VCF-style: chr2-227699173-G-A. GRCh37 (hg19) VCF-style: chr2-228563889-G-A.
Other names: c.542C>T, p.Ser181Phe (NM_001371411.1, NM_001371412.1); c.530C>T, p.Ser177Phe (NM_001371413.1, NM_001371414.1); short protein forms S177F, S181F.
Identifiers: ClinVar variation 1998711 (VCV001998711.1), dbSNP rs769023339, ClinGen allele CA2149272.